The following is an entry in ClinVar:

NC_000018.9:g.(?_25532117)_(25543505_?)dup

Gene: CDH2 (cadherin 2; minus strand). Cytogenetic location: 18q12.1.
Variant type: Duplication.
Identifiers: ClinVar variation 2424240 (VCV002424240.2).

ClinVar aggregate classification (germline): Uncertain significance (1 of 4 stars; one submission).

Submission:

Labcorp Genetics (formerly Invitae), Labcorp
Classification: Uncertain significance. Last evaluated: 2022-03-20. Review status: criteria provided, single submitter. Criteria: Invitae Variant Classification Sherloc (09022015). Collection method: clinical testing. Allele origin: germline.
Comment: In summary, the available evidence is currently insufficient to determine the role of this variant in disease. Therefore, it has been classified as a Variant of Uncertain Significance. Experimental studies and prediction algorithms are not available or were not evaluated, and the functional significance of this variant is currently unknown. This variant has not been reported in the literature in individuals affected with CDH2-related conditions. This variant results in a copy number gain of the genomic region encompassing exon(s) 15-16 of the CDH2 gene. This region includes the termination codon of the gene. This copy number gain extends beyond the assayed region for this gene and therefore may encompass additional genes. As the precise location of this event is unknown, it may be in tandem or it may be located elsewhere in the genome.